The following is an entry in ClinVar:

NM_006218.4(PIK3CA):c.1049A>G (p.Asp350Gly)

Gene: PIK3CA (phosphatidylinositol-4,5-bisphosphate 3-kinase catalytic subunit alpha; plus strand). Cytogenetic location: 3q26.32.
Variant type: single nucleotide variant.
Coding change: c.1049A>G on transcript NM_006218.4 (MANE Select); coding-DNA position 1049, A replaced by G.
Protein change: p.Asp350Gly; replaces aspartic acid 350 with glycine.
Molecular consequence: missense variant.
Genome position (GRCh38, 1-based): chr3:179,203,779, A>G. VCF-style: chr3-179203779-A-G. GRCh37 (hg19) VCF-style: chr3-178921567-A-G.
Other names: c.1049A>G (LRG_310t1); short protein forms D350G.
Identifiers: ClinVar variation 521363 (VCV000521363.8), dbSNP rs1553821144, ClinGen allele CA355281594.
Genomic context (GRCh38, chr3:179,203,779, plus strand): 5'-TAAATAGTGCACTCAGAATAAAAATTCTTTGTGCAACCTACGTGAATGTAAATATTCGAG[A>G]CATTGATAAGGTAAAGTCAAATGCTGATGCTTATTATTTTATAGAAATTATTTTAGATAA-3'
Protein context (NP_006209.2, residues 340-360): CATYVNVNIR[Asp350Gly]IDKIYVRTGI

ClinVar aggregate classification (germline): Pathogenic. Review status: criteria provided, multiple submitters, no conflicts (2 of 4 stars). 3 submissions from 3 submitters: Pathogenic (3). Last evaluated 2026-07-20.
ClinVar aggregate classification (somatic clinical impact): Tier I - Strong. Review status: criteria provided, single submitter (1 of 4 stars). 2 submissions from 1 submitter. 1 of the submissions does not count toward it. Last evaluated 2022-10-14.

Conditions:
Inborn genetic diseases. Identifiers: MedGen C0950123, MeSH D030342.
PIK3CA related overgrowth syndrome. Also called: PIK3CA-Related Segmental Overgrowth; PIK3CA related overgrowth spectrum. Identifiers: Orphanet 530313, MedGen C4728213, MONDO:1040002.
Diffuse pediatric-type high-grade glioma, H3-wildtype and IDH-wildtype. Identifiers: MedGen C5669918, MONDO:0858939.
Melanoma. Identifiers: MedGen C0025202, MeSH D008545, MONDO:0005105, HP:0002861.

Submissions (5):

Ambry Genetics
Classification: Pathogenic for Inborn genetic diseases. Last evaluated: 2026-07-20. Review status: criteria provided, single submitter. Criteria: Ambry Variant Classification Scheme 2023. Collection method: clinical testing. Allele origin: germline.
Comment: The c.1049A>G (p.D350G) alteration is located in exon 5 (coding exon 4) of the PIK3CA gene. This alteration results from an A to G substitution at nucleotide position 1049, causing the aspartic acid (D) at amino acid position 350 to be replaced by a glycine (G). This variant was not reported in population-based cohorts in the Genome Aggregation Database (gnomAD). This variant has been determined to be the result of a mosaic or heterozygous mutation in individuals with features consistent with PIK3CA-related disorders; these features include segmental overgrowth, vascular malformations, and limb and/or digital anomalies (Parker, 2019; Goss, 2020; Garde, 2021; Zhang, 2023; Gazzin, 2025). This amino acid position is highly conserved in available vertebrate species. In an assay testing PIK3CA function, this variant showed a functionally abnormal result (Shi, 2014). This alteration is predicted to be deleterious by in silico analysis. Based on the available evidence, this alteration is classified as pathogenic.

Institute for Genomic Medicine (IGM) Clinical Laboratory, Nationwide Children's Hospital
Classification: Tier II - Potential for Melanoma. Assertion type: diagnostic. Clinical significance: supports diagnosis. Last evaluated: 2025-03-04. Review status: criteria provided, single submitter. Criteria: AMP/ASCO/CAP Guidelines, 2017. Collection method: clinical testing. Allele origin: somatic. Affected: yes. Not counted in ClinVar's aggregate classification.
Comment: Variant has Tier II (potential) clinical significance as a diagnostic inclusion criterion in melanoma, based on the following evidence: 1) Documented in one or more cancer databases (e.g., St. Jude Pecan, COSMIC, CIViC, OncoKB). 2) Information in the literature supports potential biologic effect of variant (PMID: 24265155). 3) Diagnostic significance based on multiple small studies (Evidence Level C; PMIDs: 26091043, 22817889).

Clinical Genomics Laboratory, Washington University in St. Louis
Classification: Pathogenic for PIK3CA-related overgrowth syndrome. Last evaluated: 2024-12-11. Review status: criteria provided, single submitter. Criteria: Leon-Quintero et al. (Clin Genet. 2025). Collection method: clinical testing. Allele origin: somatic. Affected: yes.
Comment: A PIK3CA c.1049A>G (p.Asp350Gly) variant was identified at an allelic fraction consistent with somatic origin. This variant has been reported in multiple individuals with PIK3CA-Related Overgrowth Spectrum (PROS) disorders (Goss JA et al., PMID: 31909475; Zhang B et al., PMID: 37658401; Parker VER et al., PMID: 30270358; Gripp KW et al., PMID: 27191687). This variant has been reported in the ClinVar database as pathogenic in a germline state by a single submitter (ClinVar Variation ID: 521363) and it has also been reported in numerous cases in the cancer database COSMIC (Genomic Mutation ID: COSV55877939). This variant is absent from the general population (gnomAD v4.1.0), indicating it is not a common variant. The PIK3CA c.1049A>G (p.Asp350Gly) variant resides within the C2 domain of PIK3CA that is defined as a critical functional domain (Lai et al, PMID: 35997716). The PIK3CA gene is defined by the ClinGen Brain Malformations Variant Curation Expert Panel as a gene that has a low rate of benign missense variation and where missense variants are a common mechanism of disease (Lai et al, PMID: 35997716). Another variant in the same codon, c.1048G>A (p.Asp350Asn), has been reported and is considered pathogenic (ClinVar Variation ID: 418658). Based on available information and an internally developed protocol informed by the ACMG/AMP guidelines for variant interpretation and gene-specific practices from the ClinGen Criteria Specification Registry (Leon-Quintero FZ et al., PMID: 39434542), the PIK3CA c.1049A>G (p.Asp350Gly) variant is classified as pathogenic.

GeneDx
Classification: Pathogenic. Last evaluated: 2023-01-31. Review status: criteria provided, single submitter. Criteria: GeneDx Variant Classification Process June 2021. Collection method: clinical testing. Allele origin: germline. Affected: yes.
Comment: Not observed at significant frequency in large population cohorts (gnomAD); In silico analysis supports that this missense variant has a deleterious effect on protein structure/function; Has not been previously published as pathogenic or benign to our knowledge

Institute for Genomic Medicine (IGM) Clinical Laboratory, Nationwide Children's Hospital
Classification: Tier I - Strong for Diffuse pediatric-type high-grade glioma, H3-wildtype and IDH-wildtype. Assertion type: diagnostic. Clinical significance: supports diagnosis. Last evaluated: 2022-10-14. Review status: criteria provided, single submitter. Criteria: AMP/ASCO/CAP Guidelines, 2017. Collection method: clinical testing. Allele origin: somatic. Affected: yes.
Comment: Variant has Tier I (strong) clinical significance as a diagnostic inclusion criterion in diffuse pediatric-type high-grade glioma, H3-wildtype and IDH-wildtype, based on the following evidence: 1) Documented in one or more cancer databases (e.g., St. Jude Pecan, COSMIC, CIViC, OncoKB). 2) Appears in one or more well-established professional guidelines (e.g., World Health Organization [WHO]; National Comprehensive Cancer Network [NCCN]) as providing diagnostic, prognostic, or therapeutic information. 3) Information in the literature supports potential biologic effect of variant (PMIDs: 24265155, 18079394). 4) Diagnostic for a specific tumor type/classification based on well-powered studies with expert-level consensus (Evidence Level B; PMIDs: 28966033, 24705251, 29763623, 28912153, 25219808).

Literature cited by the submitters: PubMed 15930273 (cited by Ambry Genetics); PubMed 17376864 (cited by Ambry Genetics); PubMed 20952405 (cited by Ambry Genetics); PubMed 24265155 (cited by Ambry Genetics and Institute for Genomic Medicine (IGM) Clinical Laboratory, Nationwide Children's Hospital); PubMed 30270358 (cited by Ambry Genetics); PubMed 31909475 (cited by Ambry Genetics); PubMed 33415748 (cited by Ambry Genetics); PubMed 37658401 (cited by Ambry Genetics); PubMed 39894464 (cited by Ambry Genetics); PubMed 26091043 (cited by Institute for Genomic Medicine (IGM) Clinical Laboratory, Nationwide Children's Hospital); PubMed 22817889 (cited by Institute for Genomic Medicine (IGM) Clinical Laboratory, Nationwide Children's Hospital); PubMed 18079394 (cited by Institute for Genomic Medicine (IGM) Clinical Laboratory, Nationwide Children's Hospital); PubMed 28966033 (cited by Institute for Genomic Medicine (IGM) Clinical Laboratory, Nationwide Children's Hospital); PubMed 24705251 (cited by Institute for Genomic Medicine (IGM) Clinical Laboratory, Nationwide Children's Hospital); PubMed 29763623 (cited by Institute for Genomic Medicine (IGM) Clinical Laboratory, Nationwide Children's Hospital); PubMed 28912153 (cited by Institute for Genomic Medicine (IGM) Clinical Laboratory, Nationwide Children's Hospital); PubMed 25219808 (cited by Institute for Genomic Medicine (IGM) Clinical Laboratory, Nationwide Children's Hospital).